The following is an entry in ClinVar:

NM_002107.7(H3-3A):c.88G>A (p.Ala30Thr)

Gene: H3-3A (H3.3 histone A; plus strand). Cytogenetic location: 1q42.12.
Variant type: single nucleotide variant.
Coding change: c.88G>A on transcript NM_002107.7 (MANE Select); coding-DNA position 88, G replaced by A.
Protein change: p.Ala30Thr; replaces alanine 30 with threonine.
Molecular consequence: missense variant.
Genome position (GRCh38, 1-based): chr1:226,064,439, G>A. VCF-style: chr1-226064439-G-A. GRCh37 (hg19) VCF-style: chr1-226252140-G-A.
Other names: c.88G>A, p.Ala30Thr (NM_001379043.1, NM_001379045.1, NM_001379046.1 and 1 more transcripts); short protein forms A30T.
Identifiers: ClinVar variation 429971 (VCV000429971.4), dbSNP rs1131691704, ClinGen allele CA345015940.

ClinVar aggregate classification (germline): Conflicting classifications of pathogenicity. Review status: criteria provided, conflicting classifications (1 of 4 stars). 2 submissions from 2 submitters: Likely pathogenic (1); Uncertain significance (1). Last evaluated 2024-06-05.

Submissions (2):

GeneDx
Classification: Likely pathogenic. Last evaluated: 2024-06-05. Review status: criteria provided, single submitter. Criteria: GeneDx Variant Classification Process June 2021. Collection method: clinical testing. Allele origin: germline. Affected: yes.
Comment: De novo variant with confirmed parentage in a patient with global developmental delay, hypotonia, abnormalities on brain imaging, bilateral single palmar creases, and bilateral epicanthal folds (PMID: 33268356); In silico analysis supports that this missense variant has a deleterious effect on protein structure/function; Not observed at significant frequency in large population cohorts (gnomAD); This variant is associated with the following publications: (PMID: 35982159, 33057194, 33268356)

Blueprint Genetics
Classification: Uncertain significance. Last evaluated: 2023-06-05. Review status: criteria provided, single submitter. Criteria: ACMG Guidelines, 2015. Collection method: clinical testing. Allele origin: germline.